The following is an entry in ClinVar:

NM_001754.5(RUNX1):c.1235G>C (p.Gly412Ala)

Gene: RUNX1 (RUNX family transcription factor 1; minus strand). Cytogenetic location: 21q22.12.
Variant type: single nucleotide variant.
Coding change: c.1235G>C on transcript NM_001754.5 (MANE Select); coding-DNA position 1235, G replaced by C.
Protein change: p.Gly412Ala; replaces glycine 412 with alanine.
Molecular consequence: missense variant.
Genome position (GRCh38, 1-based): chr21:34,792,343, C>G on the plus strand (G>C on the coding strand, the complement: RUNX1 is on the minus strand). VCF-style: chr21-34792343-C-G. GRCh37 (hg19) VCF-style: chr21-36164640-C-G.
Other names: c.1154G>C, p.Gly385Ala (NM_001001890.3); short protein forms G385A, G412A.
Identifiers: ClinVar variation 4158220 (VCV004158220.1).

ClinVar aggregate classification (germline): Uncertain significance (1 of 4 stars; one submission).

Conditions:
Inborn genetic diseases. Identifiers: MedGen C0950123, MeSH D030342.

Submission:

Ambry Genetics
Classification: Uncertain significance for Inborn genetic diseases. Last evaluated: 2025-08-22. Review status: criteria provided, single submitter. Criteria: Ambry Variant Classification Scheme 2023. Collection method: clinical testing. Allele origin: germline.
Comment: The p.G412A variant (also known as c.1235G>C), located in coding exon 8 of the RUNX1 gene, results from a G to C substitution at nucleotide position 1235. The glycine at codon 412 is replaced by alanine, an amino acid with similar properties. This amino acid position is highly conserved in available vertebrate species. In addition, this alteration is predicted to be tolerated by in silico analysis. Based on the available evidence, the clinical significance of this variant remains unclear.